The following is an entry in ClinVar:

NM_014244.5(ADAMTS2):c.127_132delinsACCG (p.Ala43fs)

Gene: ADAMTS2 (ADAM metallopeptidase with thrombospondin type 1 motif 2; minus strand). Cytogenetic location: 5q35.3.
Variant type: Indel.
Coding change: c.127_132delinsACCG on transcript NM_014244.5 (MANE Select); coding-DNA positions 127 to 132, GCCGAC replaced by ACCG.
Protein change: p.Ala43fs; shifts the reading frame from alanine 43.
Molecular consequence: frameshift variant.
Genome position (GRCh38, 1-based): chr5:179,345,197-179,345,202, GTCGGC replaced by CGGT on the plus strand (GCCGAC replaced by ACCG on the coding strand, the reverse complement: ADAMTS2 is on the minus strand). VCF-style: chr5-179345197-GTCGGC-CGGT. GRCh37 (hg19) VCF-style: chr5-178772198-GTCGGC-CGGT.
Other names: c.127_132delinsACCG, p.Ala43fs (NM_021599.4); short protein forms A43fs.
Identifiers: ClinVar variation 5011294 (VCV005011294.1).

ClinVar aggregate classification (germline): Pathogenic (1 of 4 stars; one submission).

Conditions:
Ehlers-Danlos syndrome, dermatosparaxis type. Also called: EDS VIIC; Dermatosparaxis; Ehlers-Danlos syndrome, type VII, autosomal recessive. Identifiers: Orphanet 1901, MedGen C2700425, MONDO:0009161, OMIM 225410.

Submission:

Myriad Genetics, Inc.
Classification: Pathogenic for Ehlers-Danlos syndrome, dermatosparaxis type. Last evaluated: 2023-08-09. Review status: criteria provided, single submitter. Criteria: Myriad Autosomal Dominant, Autosomal Recessive and X-Linked Classification Criteria (2023). Collection method: clinical testing. Allele origin: unknown.
Comment: NM_014244.4(ADAMTS2):c.127_132del6ins4(A43Tfs*22) is expected to be pathogenic in the context of Ehlers-Danlos syndrome, ADAMTS2-related. This variant is predicted to lead to an abnormal or absent protein product due to the creation of a premature termination codon in ADAMTS2, a gene where loss-of-function variants are known to be pathogenic. Please note: this variant was assessed in the context of healthy population screening.